The following is an entry in ClinVar:

ClinVar aggregate classification (germline): Conflicting classifications of pathogenicity. Review status: criteria provided, conflicting classifications (1 of 4 stars). 4 submissions from 4 submitters: Uncertain significance (2); Benign (1); Likely benign (1). Last evaluated 2025-11-24.

Conditions:
Hereditary cancer-predisposing syndrome. Also called: Hereditary Cancer Syndrome; Neoplastic Syndromes, Hereditary; Tumor predisposition; Hereditary neoplastic syndrome. Identifiers: Orphanet 140162, MedGen C0027672, MeSH D009386, MONDO:0015356.
Ataxia-telangiectasia syndrome (AT). Also called: Ataxia telangiectasia (A-T); Ataxia-telangiectasia, complementation group E; LOUIS-BAR SYNDROME; Cerebello-oculocutaneous telangiectasia; Immunodeficiency with ataxia telangiectasia; Ataxia-telangiectasia, complementation group D. Identifiers: Orphanet 100, MedGen C0004135, MONDO:0008840, OMIM 208900.
Familial cancer of breast. Also called: Hereditary breast cancer; hereditary breast carcinoma; BREAST CANCER, FAMILIAL. Identifiers: Orphanet 227535, MedGen C0346153, MONDO:0016419, OMIM 114480. Disease mechanism: loss of function.

Submissions (4):

Labcorp Genetics (formerly Invitae), Labcorp
Classification: Likely benign for Ataxia-telangiectasia syndrome. Last evaluated: 2025-11-24. Review status: criteria provided, single submitter. Criteria: Invitae Variant Classification Sherloc (09022015). Collection method: clinical testing. Allele origin: germline.

Ambry Genetics
Classification: Uncertain significance for Hereditary cancer-predisposing syndrome. Last evaluated: 2025-05-30. Review status: criteria provided, single submitter. Criteria: Ambry Variant Classification Scheme 2023. Collection method: clinical testing. Allele origin: germline.
Comment: The c.1935C>T variant (also known as p.F645F), located in coding exon 12 of the ATM gene, results from a C to T substitution at nucleotide position 1935. This nucleotide substitution does not change the phenylalanine at codon 645. This nucleotide position is not well conserved in available vertebrate species. In silico splice site analysis predicts that this alteration may weaken the native splice acceptor site and may result in the creation or strengthening of a novel splice acceptor site. RNA studies have demonstrated that this alteration results in an incomplete splice defect; the clinical impact of this abnormal splicing is unknown at this time (Ambry internal data). Since supporting evidence is limited at this time, the clinical significance of this alteration remains unclear.

Myriad Genetics, Inc.
Classification: Benign for Familial cancer of breast. Last evaluated: 2024-05-02. Review status: criteria provided, single submitter. Criteria: Myriad Autosomal Dominant, Autosomal Recessive and X-Linked Classification Criteria (2023). Collection method: clinical testing. Allele origin: unknown.
Comment: This variant is considered benign. This variant is a silent/synonymous amino acid change and it is not expected to impact splicing.

Color Diagnostics, LLC DBA Color Health
Classification: Uncertain significance for Hereditary cancer-predisposing syndrome. Last evaluated: 2023-06-20. Review status: criteria provided, single submitter. Criteria: ACMG Guidelines, 2015. Collection method: clinical testing. Allele origin: germline.
Comment: This variant is located in the ATM protein. To our knowledge, functional studies have not been reported for this variant. This variant has not been reported in individuals affected with ATM-related disorders in the literature. This variant has not been identified in the general population by the Genome Aggregation Database (gnomAD). The available evidence is insufficient to determine the role of this variant in disease conclusively. Therefore, this variant is classified as a Variant of Uncertain Significance.

NM_000051.4(ATM):c.1935C>T (p.Phe645=)

Gene: ATM (ATM serine/threonine kinase; plus strand). Cytogenetic location: 11q22.3.
Variant type: single nucleotide variant.
Coding change: c.1935C>T on transcript NM_000051.4 (MANE Select); coding-DNA position 1935, C replaced by T.
Protein change: p.Phe645=; no amino-acid change (phenylalanine 645 retained).
Molecular consequence: synonymous variant.
Genome position (GRCh38, 1-based): chr11:108,253,850, C>T. VCF-style: chr11-108253850-C-T. GRCh37 (hg19) VCF-style: chr11-108124577-C-T.
Other names: c.1935C>T, p.Phe645= (NM_001351834.2).
Identifiers: ClinVar variation 232342 (VCV000232342.17), dbSNP rs876659709, ClinGen allele CA10579033.